The following is an entry in ClinVar:

ClinVar aggregate classification (germline): Pathogenic. Review status: criteria provided, multiple submitters, no conflicts (2 of 4 stars). 5 submissions from 5 submitters: Pathogenic (4). 1 of the submissions does not count toward it. Last evaluated 2022-05-31.

Conditions:
Inborn genetic diseases. Identifiers: MedGen C0950123, MeSH D030342.
Craniosynostosis 5, susceptibility to (CRS5). Identifiers: Orphanet 35093, MedGen C3809819, MONDO:0014232, OMIM 615529.
Frontonasal dysplasia with alopecia and genital anomaly. Identifiers: Orphanet 228390, MedGen C3150703, MONDO:0013268, OMIM 613451.

Allele frequency attached by ClinVar (database versions not stated): TOPMed 0.00001.
gnomAD v4.1: 1 of 1,614,140 alleles (0.000062%); highest among the groups gnomAD compares: Non-Finnish European, 0.000085%; no homozygotes.

Submissions (5):

GeneDx
Classification: Pathogenic. Last evaluated: 2022-05-31. Review status: criteria provided, single submitter. Criteria: GeneDx Variant Classification Process June 2021. Collection method: clinical testing. Allele origin: germline. Affected: yes.
Comment: Nonsense variant in the C-terminus demonstrated to result in protein truncation (Kayserili et al., 2009); Published functional studies demonstrate a damaging effect: protein mislocalization in COS7 cells, altered epidermal differentiation and junctional beta-catenin expression in cells from homozygous individuals (Kayserili et al., 2009); Not observed at significant frequency in large population cohorts (gnomAD); This variant is associated with the following publications: (PMID: 25525159, 24668755, 19692347, 27975139, 34426522)

Greenwood Genetic Center Diagnostic Laboratories, Greenwood Genetic Center
Classification: Pathogenic. Last evaluated: 2020-12-21. Review status: criteria provided, single submitter. Criteria: ACMG Guidelines, 2015. Collection method: clinical testing. Allele origin: germline. Affected: yes.
Comment: PVS1, PS4, PM2

Ambry Genetics
Classification: Pathogenic for Inborn genetic diseases. Last evaluated: 2015-05-15. Review status: criteria provided, single submitter. Criteria: Ambry exome assertion method (8-5-2015). Collection method: clinical testing. Allele origin: germline. Affected: yes. Observed: 1 variant allele.

Clinical Biomedical Laboratory, Shriners Hospital For Children - Canada
Classification: Pathogenic for Craniosynostosis 5, susceptibility to. Review status: criteria provided, single submitter. Criteria: ACMG Guidelines, 2015. Collection method: clinical testing. Allele origin: germline. Affected: yes.
Comment: This variant is expected to lead to a truncated protein. This variant was previously observed in homozygous state in individuals with frontonasal dysplasia 2, which is associated with severe skull abnormalities (PMID 19692347, 39157323). The variant is absent from the Genome Aggregation Database (v2.1.1.), indicating it is very rare. Based on the ACMG variant interpretation guidelines (criteria: PVS1, PM3, PS3, PM2), the available evidence supports classification of this variant as pathogenic.

OMIM
Classification: Pathogenic for FRONTONASAL DYSPLASIA 2. Last evaluated: 2009-11-15. Review status: no assertion criteria provided. Collection method: literature only. Allele origin: germline. Not counted in ClinVar's aggregate classification.

Literature cited by the submitters: PubMed 19692347 (cited by 3 submitters); PubMed 39157323 (cited by Clinical Biomedical Laboratory, Shriners Hospital For Children - Canada).

NM_021926.4(ALX4):c.793C>T (p.Arg265Ter)

Gene: ALX4 (ALX homeobox 4; minus strand). Cytogenetic location: 11p11.2.
Variant type: single nucleotide variant.
Coding change: c.793C>T on transcript NM_021926.4 (MANE Select); coding-DNA position 793, C replaced by T.
Protein change: p.Arg265Ter; replaces arginine 265 with a stop codon.
Molecular consequence: nonsense.
Genome position (GRCh38, 1-based): chr11:44,267,607, G>A on the plus strand (C>T on the coding strand, the complement: ALX4 is on the minus strand). VCF-style: chr11-44267607-G-A. GRCh37 (hg19) VCF-style: chr11-44289157-G-A.
Other names: c.793C>T, p.Arg265Ter (LRG_1256t1); short protein forms R265*.
Identifiers: ClinVar variation 5020 (VCV000005020.12), dbSNP rs267606653, ClinGen allele CA117211.